The following is an entry in ClinVar:

ClinVar aggregate classification (germline): Uncertain significance (0 of 4 stars; one submission).

Conditions:
TTN-related disorder. Also called: TTN-related disorders; TTN-related condition; TTN-related disease.

gnomAD v4.1: 5 of 1,613,732 alleles (0.00031%); highest among the groups gnomAD compares: Non-Finnish European, 0.00042%; no homozygotes.

Submission:

PreventionGenetics, part of Exact Sciences
Classification: Uncertain significance for TTN-related condition. Last evaluated: 2024-09-08. Review status: no assertion criteria provided. Collection method: clinical testing. Allele origin: germline.
Comment: The TTN c.93350C>T variant is predicted to result in the amino acid substitution p.Pro31117Leu. To our knowledge, this variant has not been reported in the literature. This variant is reported in 0.013% of alleles in individuals of European (Non-Finnish) descent in gnomAD. At this time, the clinical significance of this variant is uncertain due to the absence of conclusive functional and genetic evidence.

NM_001267550.2(TTN):c.93350C>T (p.Pro31117Leu)

Genes: TTN (titin; minus strand), TTN-AS1 (TTN antisense RNA 1; plus strand). Cytogenetic location: 2q31.2.
Variant type: single nucleotide variant.
Coding change: c.93350C>T on transcript NM_001267550.2 (MANE Select); coding-DNA position 93350, C replaced by T.
Protein change: p.Pro31117Leu; replaces proline 31117 with leucine.
Molecular consequence: missense variant.
Genome position (GRCh38, 1-based): chr2:178,548,276, G>A on the plus strand (C>T on the coding strand, the complement: TTN is on the minus strand). VCF-style: chr2-178548276-G-A. GRCh37 (hg19) VCF-style: chr2-179413003-G-A.
Other names: c.88427C>T, p.Pro29476Leu (NM_001256850.1); c.66155C>T, p.Pro22052Leu (NM_003319.4); c.85646C>T, p.Pro28549Leu (NM_133378.4); c.66530C>T, p.Pro22177Leu (NM_133432.3); c.66731C>T, p.Pro22244Leu (NM_133437.4); short protein forms P22052L, P22177L, P22244L, P28549L, P29476L, P31117L.
Identifiers: ClinVar variation 3347791 (VCV003347791.1).